The following is an entry in ClinVar:

NM_002582.4(PARN):c.724A>G (p.Ser242Gly)

Gene: PARN (poly(A)-specific ribonuclease; minus strand). Cytogenetic location: 16p13.12.
Variant type: single nucleotide variant.
Coding change: c.724A>G on transcript NM_002582.4 (MANE Select); coding-DNA position 724, A replaced by G.
Protein change: p.Ser242Gly; replaces serine 242 with glycine.
Molecular consequence: missense variant.
Genome position (GRCh38, 1-based): chr16:14,604,205, T>C on the plus strand (A>G on the coding strand, the complement: PARN is on the minus strand). VCF-style: chr16-14604205-T-C. GRCh37 (hg19) VCF-style: chr16-14698062-T-C.
Other names: c.541A>G, p.Ser181Gly (NM_001134477.3); c.586A>G, p.Ser196Gly (NM_001242992.2); short protein forms S242G, S196G, S181G.
Identifiers: ClinVar variation 1504614 (VCV001504614.8), dbSNP rs2151787480, ClinGen allele CA394807849.
Genomic context (GRCh38, chr16:14,604,205, plus strand): 5'-CCTGTTCTTTGGCATGTTTCTGCTGCTCTCTTCTTTTGCGTTCTTCTTCATCTACTTTGC[T>C]GATAACTATATATCGCTCCTTCTAAAAGACATAAAGCAGATATACAATTTTCTTTTCTTT-3'
Protein context (NP_002573.1, residues 232-252): TEKKERYIVI[Ser242Gly]KVDEEERKRR

ClinVar aggregate classification (germline): Uncertain significance (1 of 4 stars; one submission).

Conditions:
Dyskeratosis congenita, autosomal recessive 6 (DKCB6). Identifiers: MedGen C4225356, MONDO:0014600, OMIM 616353.
Pulmonary fibrosis and/or bone marrow failure, Telomere-related, 4. Also called: PULMONARY FIBROSIS AND/OR BONE MARROW FAILURE SYNDROME, TELOMERE-RELATED, 4. Identifiers: Orphanet 2032, MedGen C4225347, MONDO:0014612, OMIM 616371.

gnomAD v4.1: 1 of 1,595,456 alleles (0.000063%); highest among the groups gnomAD compares: Non-Finnish European, 0.000086%; no homozygotes.

Submission:

Labcorp Genetics (formerly Invitae), Labcorp
Classification: Uncertain significance for Dyskeratosis congenita, autosomal recessive 6; Pulmonary fibrosis and/or bone marrow failure, Telomere-related, 4. Last evaluated: 2022-03-07. Review status: criteria provided, single submitter. Criteria: Invitae Variant Classification Sherloc (09022015). Collection method: clinical testing. Allele origin: germline.
Comment: In summary, the available evidence is currently insufficient to determine the role of this variant in disease. Therefore, it has been classified as a Variant of Uncertain Significance. Algorithms developed to predict the effect of missense changes on protein structure and function (SIFT, PolyPhen-2, Align-GVGD) all suggest that this variant is likely to be tolerated. This variant has not been reported in the literature in individuals affected with PARN-related conditions. This variant is not present in population databases (gnomAD no frequency). This sequence change replaces serine, which is neutral and polar, with glycine, which is neutral and non-polar, at codon 242 of the PARN protein (p.Ser242Gly).